The following is an entry in ClinVar:

NM_003680.4(YARS1):c.1408_1425del (p.Lys470_Gly475del)

Gene: YARS1 (tyrosyl-tRNA synthetase 1; minus strand). Cytogenetic location: 1p35.1.
Variant type: Deletion.
Coding change: c.1408_1425del on transcript NM_003680.4 (MANE Select); coding-DNA positions 1408 to 1425, 18 bases deleted (AAGGGCTATGAAAAGGGC).
Protein change: p.Lys470_Gly475del.
Genome position (GRCh38, 1-based): chr1:32,779,433-32,779,450, GCCCTTTTCATAGCCCTT deleted on the plus strand (AAGGGCTATGAAAAGGGC on the coding strand, the reverse complement: YARS1 is on the minus strand). VCF-style (leftmost placement, unchanged base first): chr1-32779432-GGCCCTTTTCATAGCCCTT-G. GRCh37 (hg19) VCF-style: chr1-33245033-GGCCCTTTTCATAGCCCTT-G.
Identifiers: ClinVar variation 4800021 (VCV004800021.1).

ClinVar aggregate classification (germline): Uncertain significance (1 of 4 stars; one submission).

Conditions:
Charcot-Marie-Tooth disease dominant intermediate C (CMTDIC). Also called: CHARCOT-MARIE-TOOTH NEUROPATHY, DOMINANT INTERMEDIATE C. Identifiers: Orphanet 100045, MedGen C1842237, MONDO:0012012, OMIM 608323.

Submission:

Labcorp Genetics (formerly Invitae), Labcorp
Classification: Uncertain significance for Charcot-Marie-Tooth disease dominant intermediate C. Last evaluated: 2025-12-13. Review status: criteria provided, single submitter. Criteria: Invitae Variant Classification Sherloc (09022015). Collection method: clinical testing. Allele origin: germline.
Comment: This variant, c.1408_1425del, results in the deletion of 6 amino acid(s) of the YARS protein (p.Lys470_Gly475del), but otherwise preserves the integrity of the reading frame. This variant is present in population databases (rs755595704, gnomAD 0.0009%). This variant has not been reported in the literature in individuals affected with YARS-related conditions. Experimental studies and prediction algorithms are not available or were not evaluated, and the functional significance of this variant is currently unknown. In summary, the available evidence is currently insufficient to determine the role of this variant in disease. Therefore, it has been classified as a Variant of Uncertain Significance.